The following is an entry in ClinVar:

ClinVar aggregate classification (germline): Likely pathogenic (1 of 4 stars; one submission).

Conditions:
AXIN2-related disorder.

Submission:

PreventionGenetics, part of Exact Sciences
Classification: Likely pathogenic for AXIN2-related condition. Last evaluated: 2025-07-21. Review status: criteria provided, single submitter. Criteria: ACMG Guidelines, 2015. Collection method: clinical testing. Allele origin: germline.
Comment: The AXIN2 c.749T>A variant is predicted to result in premature protein termination (p.Leu250*). To our knowledge, this variant has not been reported in the literature or in a large population database (gnomAD), indicating this variant is rare. At the time of reporting, this variant is absent from the ClinVar database. Nonsense variants in AXIN2 are expected to be pathogenic. This variant is interpreted as likely pathogenic.

NM_004655.4(AXIN2):c.749T>A (p.Leu250Ter)

Gene: AXIN2 (axin 2; minus strand). Cytogenetic location: 17q24.1.
Variant type: single nucleotide variant.
Coding change: c.749T>A on transcript NM_004655.4 (MANE Select); coding-DNA position 749, T replaced by A.
Protein change: p.Leu250Ter; replaces leucine 250 with a stop codon.
Molecular consequence: nonsense.
Genome position (GRCh38, 1-based): chr17:65,557,872, A>T on the plus strand (T>A on the coding strand, the complement: AXIN2 is on the minus strand). VCF-style: chr17-65557872-A-T. GRCh37 (hg19) VCF-style: chr17-63553990-A-T.
Other names: c.749T>A, p.Leu250Ter (NM_001363813.1); short protein forms L250*.
Identifiers: ClinVar variation 4996995 (VCV004996995.1).